The following is an entry in ClinVar:

NM_002907.4(RECQL):c.940G>C (p.Gly314Arg)

Gene: RECQL (RecQ like helicase; minus strand). Cytogenetic location: 12p12.1.
Variant type: single nucleotide variant.
Coding change: c.940G>C on transcript NM_002907.4 (MANE Select); coding-DNA position 940, G replaced by C.
Protein change: p.Gly314Arg; replaces glycine 314 with arginine.
Molecular consequence: missense variant.
Genome position (GRCh38, 1-based): chr12:21,476,920, C>G on the plus strand (G>C on the coding strand, the complement: RECQL is on the minus strand). VCF-style: chr12-21476920-C-G. GRCh37 (hg19) VCF-style: chr12-21629854-C-G.
Other names: c.940G>C, p.Gly314Arg (NM_032941.3); short protein forms G314R.
Identifiers: ClinVar variation 4863134 (VCV004863134.1).

ClinVar aggregate classification (germline): Uncertain significance (1 of 4 stars; one submission).

Submission:

Ambry Genetics
Classification: Uncertain significance. Last evaluated: 2026-06-04. Review status: criteria provided, single submitter. Criteria: Ambry Variant Classification Scheme 2023. Collection method: clinical testing. Allele origin: germline.
Comment: The p.G314R variant (also known as c.940G>C), located in coding exon 7 of the RECQL gene, results from a G to C substitution at nucleotide position 940. The glycine at codon 314 is replaced by arginine, an amino acid with dissimilar properties. This amino acid position is conserved. In addition, the in silico prediction for this alteration is inconclusive. Based on the available evidence, the clinical significance of this variant remains unclear.